The following is an entry in ClinVar:

ClinVar aggregate classification (germline): Benign/Likely benign. Review status: criteria provided, multiple submitters, no conflicts (2 of 4 stars). 3 submissions from 3 submitters: Benign (1); Likely benign (1). 1 of the submissions does not count toward it. Last evaluated 2025-10-03.

Conditions:
NNT-related disorder. Also called: NNT-related condition.

Allele frequency attached by ClinVar (database versions not stated): 1000 Genomes Project 30x 0.00094; 1000 Genomes Project 0.00100; TOPMed 0.00141; ESP Exome Variant Server 0.00154.
gnomAD v4.1: 453 of 1,607,230 alleles (0.028%); highest among the groups gnomAD compares: African/African-American, 0.46%; 1 homozygote.

Submissions (3):

Labcorp Genetics (formerly Invitae), Labcorp
Classification: Benign. Last evaluated: 2025-10-03. Review status: criteria provided, single submitter. Criteria: Invitae Variant Classification Sherloc (09022015). Collection method: clinical testing. Allele origin: germline.

Blueprint Genetics
Classification: Likely benign. Last evaluated: 2024-06-24. Review status: criteria provided, single submitter. Criteria: ACMG Guidelines, 2015. Collection method: clinical testing. Allele origin: germline.

PreventionGenetics, part of Exact Sciences
Classification: Likely benign for NNT-related condition. Last evaluated: 2021-10-15. Review status: no assertion criteria provided. Collection method: clinical testing. Allele origin: germline. Not counted in ClinVar's aggregate classification.
Comment: This variant is classified as likely benign based on ACMG/AMP sequence variant interpretation guidelines (Richards et al. 2015 PMID: 25741868, with internal and published modifications).

NM_182977.3(NNT):c.2876+7G>T

Gene: NNT (nicotinamide nucleotide transhydrogenase; plus strand). Cytogenetic location: 5p12.
Variant type: single nucleotide variant.
Coding change: c.2876+7G>T on transcript NM_182977.3 (MANE Select); 7 bases into the intron after coding-DNA position 2876, G replaced by T.
Molecular consequence: intron variant.
Genome position (GRCh38, 1-based): chr5:43,677,813, G>T. VCF-style: chr5-43677813-G-T. GRCh37 (hg19) VCF-style: chr5-43677915-G-T.
Other names: c.2876+7G>T (NM_012343.4); c.2483+7G>T (NM_001331026.2).
Identifiers: ClinVar variation 703988 (VCV000703988.13), dbSNP rs113092064, ClinGen allele CA3258348.